The following is an entry in ClinVar:

ClinVar aggregate classification (germline): Pathogenic (1 of 4 stars; one submission).

Conditions:
Polycystic kidney disease 4 (PKD4). Also called: POLYCYSTIC KIDNEY AND HEPATIC DISEASE 1; POLYCYSTIC KIDNEY DISEASE, INFANTILE, TYPE I; POLYCYSTIC KIDNEY DISEASE 4 WITH OR WITHOUT POLYCYSTIC LIVER DISEASE; PKD3; Autosomal Recessive Polycystic Kidney Disease – PKHD1. Identifiers: MedGen C4540575, MONDO:0033004, OMIM 263200.

Submission:

Myriad Genetics, Inc.
Classification: Pathogenic for Polycystic kidney disease 4. Last evaluated: 2023-12-03. Review status: criteria provided, single submitter. Criteria: Myriad Autosomal Dominant, Autosomal Recessive and X-Linked Classification Criteria (2023). Collection method: clinical testing. Allele origin: unknown.
Comment: NM_138694.3(PKHD1):c.663_664delCA(I222Rfs*6) is expected to be pathogenic in the context of autosomal recessive polycystic kidney disease, PKHD1-related. This variant is predicted to lead to an abnormal or absent protein product due to the creation of a premature termination codon in PKHD1, a gene where loss-of-function variants are known to be pathogenic. Please note: this variant was assessed in the context of healthy population screening.

NM_138694.4(PKHD1):c.663_664del (p.Ile222fs)

Gene: PKHD1 (PKHD1 ciliary IPT domain containing fibrocystin/polyductin; minus strand). Cytogenetic location: 6p12.2.
Variant type: Deletion.
Coding change: c.663_664del on transcript NM_138694.4 (MANE Select); coding-DNA positions 663 to 664, 2 bases deleted (CA; older notation c.663_664delCA).
Protein change: p.Ile222fs; shifts the reading frame from isoleucine 222.
Molecular consequence: frameshift variant.
Genome position (GRCh38, 1-based): chr6:52,071,009-52,071,010, TG deleted on the plus strand (CA on the coding strand, the reverse complement: PKHD1 is on the minus strand); deleting any 2 consecutive bases within chr6:52,071,009-52,071,011 gives the same sequence; the c. name uses the placement nearest the transcript's 3' end. VCF-style (leftmost placement, unchanged base first): chr6-52071008-ATG-A. GRCh37 (hg19) VCF-style: chr6-51935806-ATG-A.
Other names: c.663_664del, p.Ile222fs (NM_170724.3); short protein forms I222fs.
Identifiers: ClinVar variation 5012538 (VCV005012538.1).